The following is an entry in ClinVar:

ClinVar aggregate classification (germline): Uncertain significance (1 of 4 stars; one submission).

Conditions:
Hereditary cancer-predisposing syndrome. Also called: Hereditary neoplastic syndrome; Neoplastic Syndromes, Hereditary; Tumor predisposition; Hereditary Cancer Syndrome. Identifiers: Orphanet 140162, MedGen C0027672, MeSH D009386, MONDO:0015356.

Submission:

Ambry Genetics
Classification: Uncertain significance for Hereditary cancer-predisposing syndrome. Last evaluated: 2025-03-02. Review status: criteria provided, single submitter. Criteria: Ambry Variant Classification Scheme 2023. Collection method: clinical testing. Allele origin: germline.
Comment: The p.E177G variant (also known as c.530A>G), located in coding exon 1 of the AXIN2 gene, results from an A to G substitution at nucleotide position 530. The glutamic acid at codon 177 is replaced by glycine, an amino acid with similar properties. This amino acid position is conserved. In addition, the in silico prediction for this alteration is inconclusive. Based on the available evidence, the clinical significance of this variant remains unclear.

NM_004655.4(AXIN2):c.530A>G (p.Glu177Gly)

Gene: AXIN2 (axin 2; minus strand). Cytogenetic location: 17q24.1.
Variant type: single nucleotide variant.
Coding change: c.530A>G on transcript NM_004655.4 (MANE Select); coding-DNA position 530, A replaced by G.
Protein change: p.Glu177Gly; replaces glutamic acid 177 with glycine.
Molecular consequence: missense variant.
Genome position (GRCh38, 1-based): chr17:65,558,091, T>C on the plus strand (A>G on the coding strand, the complement: AXIN2 is on the minus strand). VCF-style: chr17-65558091-T-C. GRCh37 (hg19) VCF-style: chr17-63554209-T-C.
Other names: c.530A>G, p.Glu177Gly (NM_001363813.1); short protein forms E177G.
Identifiers: ClinVar variation 3814743 (VCV003814743.1).
Genomic context (GRCh38, chr17:65,558,091, plus strand): 5'-AGGTATATATCAGAAGTCAAAAACATCTGGTAGGCATTTTCCTCCATCACCGACTGGATC[T>C]CGGTCTGCGCCTGGTCAAACATGATGGAATCAATCTGCTGCTTCTTGATGCCATCTCTTA-3'
Protein context (NP_004646.3, residues 167-187): DSIMFDQAQT[Glu177Gly]IQSVMEENAY